The following continues an entry in ClinVar:

NM_000492.4(CFTR):c.1657C>T (p.Arg553Ter)

ClinVar aggregate classification (germline): Pathogenic. Pathogenic (1).

Submissions 11 to 26 of 33:

3billion
Classification: Pathogenic for Cystic fibrosis. Last evaluated: 2024-07-22. Review status: criteria provided, single submitter. Criteria: ACMG Guidelines, 2015. Collection method: clinical testing. Allele origin: germline. Affected: yes. Not counted in ClinVar's aggregate classification.
Comment: The variant is observed at an extremely low frequency in the gnomAD v4.0.0 dataset (total allele frequency: 0.010%). Predicted Consequence/Location: Stop-gained (nonsense): predicted to result in a loss or disruption of normal protein function through nonsense-mediated decay (NMD) or protein truncation. Multiple pathogenic variants are reported downstream of the variant. The variant has been reported multiple times as an established pathogenic variant (ClinVar ID: VCV000007122 /PMID: 1695717 /3billion dataset). Therefore, this variant is classified as Pathogenic according to the recommendation of ACMG/AMP guideline.

Baylor Genetics
Classification: Pathogenic for Bronchiectasis with or without elevated sweat chloride 1. Last evaluated: 2024-03-26. Review status: criteria provided, single submitter. Criteria: ACMG Guidelines, 2015. Collection method: clinical testing. Allele origin: unknown. Not counted in ClinVar's aggregate classification.

Fulgent Genetics
Classification: Pathogenic for Hereditary pancreatitis; Bronchiectasis with or without elevated sweat chloride 1; Cystic fibrosis; Congenital bilateral aplasia of vas deferens from CFTR mutation. Last evaluated: 2024-01-03. Review status: criteria provided, single submitter. Criteria: ACMG Guidelines, 2015. Collection method: clinical testing. Allele origin: germline. Not counted in ClinVar's aggregate classification.

Blueprint Genetics
Classification: Pathogenic for CFTR-related disorders. Last evaluated: 2023-05-16. Review status: criteria provided, single submitter. Criteria: ACMG Guidelines, 2015. Collection method: clinical testing. Allele origin: germline. Affected: yes. Observed: 5 variant alleles. Not counted in ClinVar's aggregate classification.

Laboratorio de Genetica e Diagnostico Molecular, Hospital Israelita Albert Einstein
Classification: Pathogenic for Bronchiectasis with or without elevated sweat chloride 1. Last evaluated: 2022-10-29. Review status: criteria provided, single submitter. Criteria: ACMG Guidelines, 2015. Collection method: clinical testing. Allele origin: germline. Affected: yes. Observed: 1 variant allele. Not counted in ClinVar's aggregate classification.
Comment: ACMG classification criteria: PVS1 very strong, PM2 supporting, PM3 strong, PP1 supporting

Mayo Clinic Laboratories, Mayo Clinic
Classification: Pathogenic. Last evaluated: 2022-08-16. Review status: criteria provided, single submitter. Criteria: ACMG Guidelines, 2015. Collection method: clinical testing. Allele origin: germline. Observed: 6 variant alleles. Not counted in ClinVar's aggregate classification.

Clinical Genetics Laboratory, Skane University Hospital Lund
Classification: Pathogenic. Last evaluated: 2022-05-27. Review status: criteria provided, single submitter. Criteria: ACMG Guidelines, 2015. Collection method: clinical testing. Allele origin: germline. Affected: yes. Not counted in ClinVar's aggregate classification.

Quest Diagnostics Nichols Institute San Juan Capistrano
Classification: Pathogenic. Last evaluated: 2021-10-14. Review status: criteria provided, single submitter. Criteria: Quest Diagnostics criteria. Collection method: clinical testing. Allele origin: unknown. Not counted in ClinVar's aggregate classification.
Comment: This nonsense variant causes the premature termination of CFTR protein synthesis. In the published literature, the variant has been reported in individuals affected with CF or a CFTR-related disease (PMID: 1695717 (1990), 23974870 (2013), 25580864 (2015), 29590070 (2018)). Based on the available information, this variant is classified as pathogenic.

Myriad Genetics, Inc.
Classification: Pathogenic for Cystic fibrosis. Last evaluated: 2019-11-12. Review status: criteria provided, single submitter. Criteria: Myriad Women's Health Autosomal Recessive and X-Linked Classification Criteria (2019). Collection method: clinical testing. Allele origin: unknown. Not counted in ClinVar's aggregate classification.
Comment: NM_000492.3(CFTR):c.1657C>T(R553*) is classified as pathogenic in the context of cystic fibrosis and is associated with the classic form of disease. Sources cited for classification include the following: PMID 23974870. Classification of NM_000492.3(CFTR):c.1657C>T(R553*) is based on the following criteria: The variant causes a premature termination codon that is expected to be targeted by nonsense-mediated mRNA decay and is reported in individuals with the relevant phenotype. Please note: this variant was assessed in the context of healthy population screening.

Mendelics
Classification: Pathogenic for Cystic fibrosis. Last evaluated: 2018-11-05. Review status: criteria provided, single submitter. Criteria: Mendelics Assertion Criteria 2017. Collection method: clinical testing. Allele origin: unknown. Affected: yes. Not counted in ClinVar's aggregate classification.

Center for Precision Medicine, Vanderbilt University Medical Center
Classification: Pathogenic for Cystic fibrosis. Last evaluated: 2018-03-16. Review status: criteria provided, single submitter. Criteria: ACMG Guidelines, 2015. Collection method: research. Allele origin: germline. Inheritance: Autosomal recessive inheritance. Affected: yes. Observed: 12 variant alleles, 12 heterozygotes. Clinical features observed: chronic airway obstruction, acute upper respiratory infections, pneumonia, hypovolemia, bronchiectasis, diseases of the pancreas, asthma, intestinal malabsorption, idiopathic fibrosing alveolitis, acute bronchitis and bronchiolitis, anal and rectal conditions. Not counted in ClinVar's aggregate classification.

CFTR-France
Classification: Pathogenic for cystic fibrosis. Last evaluated: 2018-01-29. Review status: criteria provided, single submitter. Criteria: Claustres M et al. (Hum Mutat 2017). Collection method: curation. Allele origin: germline. Affected: yes. Not counted in ClinVar's aggregate classification.

Illumina Laboratory Services, Illumina
Classification: Pathogenic for CFTR-Related Disorders. Last evaluated: 2017-10-20. Review status: criteria provided, single submitter. Criteria: ICSL Variant Classification Criteria 09 May 2019. Collection method: clinical testing. Allele origin: germline. Not counted in ClinVar's aggregate classification.
Comment: The CFTR c.1657C>T (p.Arg553Ter) variant is a stop-gained variant predicted to result in premature termination of the protein. The p.Arg553Ter variant has been reported in at least 11 studies in which it is found in a total of 17 individuals with CFTR-related disorders including in three individuals in a homozygous state, in 12 individuals in a compound heterozygous state (of which at least three are related) and in one affected individual in heterozygous state. The severity of the disease varied among these individuals from very mild to severe with a range of phenotypes including classic cystic fibrosis, pancreatic insufficiency, pulmonary disease and male infertility due to congenital bilateral absence of vas deferens without pulmonary or gastrointestinal symptoms. This variant has also been reported in a heterozygous state in six unaffected relatives of affected individuals (Cutting et al. 1990a; Cutting et al 1990b; Bal et al. 1991; Cheadle et al. 1992; Will et al. 1993; Wong et al. 2004; Chen et al. 2005; Aznarez et al. 2007; Sheridan et al. 2011; Costa et al. 2011; Liu et al. 2015). The p.Arg553Ter variant was shown to result in no detectable CFTR mRNA in nasal epithelial cells and lymphocytes derived from a severely affected individual who carried the variant in a compound heterozygous state (Will et al. 1993). RT-PCR studies in patient lymphoblastoid cells lines demonstrated that the p.Arg553Ter variant results in the skipping of exon 11 through the creation of a putative exonic splicing silencer (Aznarez et al. 2007). Control data are unavailable for the p.Arg553Ter variant which is reported at a frequency of 0.000581 in the European American population of the Exome Sequencing Project. Based on the evidence and the potential impact of stop-gained variants, the pArg553Ter variant is classified as pathogenic for CFTR-related disorders. This variant was observed by ICSL as part of a predisposition screen in an ostensibly healthy population.

Women's Health and Genetics/Laboratory Corporation of America, LabCorp
Classification: Pathogenic. Last evaluated: 2017-10-06. Review status: criteria provided, single submitter. Criteria: LabCorp Variant Classification Summary - May 2015. Collection method: clinical testing. Allele origin: germline. Not counted in ClinVar's aggregate classification.
Comment: Variant summary: The CFTR c.1657C>T (p.Arg553X) variant results in a premature termination codon, predicted to cause a truncated or absent CFTR protein due to nonsense mediated decay, which are commonly known mechanisms for disease. Truncations downstream of this position have been classified as pathogenic by our laboratory (e.g., c.1742dupT [p.Leu581fsX8] and c.1792_1798delAAAACTA [p.Lys598fsX11]). One in silico tool predicts a damaging outcome for this variant. This variant was found in 21/276546 control chromosomes at a frequency of 0.0000759, which does not exceed the estimated maximal expected allele frequency of a pathogenic CFTR variant (0.0129603). This variant is a well-characterized, disease-causing mutation in CFTR - in a study of 39,696 individuals with cystic fibrosis in registries and clinics in North America and Europe, the variant was present in 645 CF patients; and of the 369 patients included in the analsyis, 96.1% were pancreatic insufficient (Sosnay_2013). RNA from nasal epithelial cells of a patient with the genotype S549N/R553X showed that <2% of the transcripts were derived from R553X (Hamosh_1991). Additionally, chloride secretion in a rectal biopsy specimens from 3 patients with the genotype deltaF508/R553X found that Cl-secretion was 0% of control, suggesting that R553X is non-functional (Hirtz_2004). In addition, multiple clinical diagnostic laboratories/reputable databases classified this variant as pathogenic. Taken together, this variant is classified as pathogenic.

Eurofins Ntd Llc (ga)
Classification: Pathogenic. Last evaluated: 2017-08-15. Review status: criteria provided, single submitter. Criteria: EGL Classification Definitions 2015. Collection method: clinical testing. Allele origin: germline. Observed: 5 variant alleles, 4 heterozygotes, 1 homozygote. Not counted in ClinVar's aggregate classification.

Baylor Genetics
Classification: Pathogenic for Congenital bilateral aplasia of vas deferens from CFTR mutation; Cystic fibrosis. Review status: criteria provided, single submitter. Criteria: ACMG Guidelines, 2015. Collection method: clinical testing. Allele origin: germline. Not counted in ClinVar's aggregate classification.